The following is an entry in ClinVar:

ClinVar aggregate classification (germline): Conflicting classifications of pathogenicity. Review status: criteria provided, conflicting classifications (1 of 4 stars). 2 submissions from 2 submitters: Uncertain significance (1); Likely benign (1). Last evaluated 2024-07-01.

Conditions:
Cardiovascular phenotype. Identifiers: MedGen CN230736.

Allele frequency attached by ClinVar (database versions not stated): ExAC 0.00005.
gnomAD v4.1: 4 of 1,550,302 alleles (0.00026%); highest among the groups gnomAD compares: African/African-American, 0.0027%; no homozygotes.

Submissions (2):

Labcorp Genetics (formerly Invitae), Labcorp
Classification: Uncertain significance. Last evaluated: 2024-07-01. Review status: criteria provided, single submitter. Criteria: Invitae Variant Classification Sherloc (09022015). Collection method: clinical testing. Allele origin: germline.
Comment: This sequence change replaces proline, which is neutral and non-polar, with leucine, which is neutral and non-polar, at codon 3816 of the ZNF469 protein (p.Pro3816Leu). This variant is present in population databases (rs777126253, gnomAD 0.01%). This variant has not been reported in the literature in individuals affected with ZNF469-related conditions. An algorithm developed to predict the effect of missense changes on protein structure and function (PolyPhen-2) suggests that this variant is likely to be disruptive. In summary, the available evidence is currently insufficient to determine the role of this variant in disease. Therefore, it has been classified as a Variant of Uncertain Significance.

Ambry Genetics
Classification: Likely benign for Cardiovascular phenotype. Last evaluated: 2024-04-06. Review status: criteria provided, single submitter. Criteria: Ambry Variant Classification Scheme 2023. Collection method: clinical testing. Allele origin: germline.

NM_001367624.2(ZNF469):c.11531C>T (p.Pro3844Leu)

Gene: ZNF469 (zinc finger protein 469; plus strand). Cytogenetic location: 16q24.2.
Variant type: single nucleotide variant.
Coding change: c.11531C>T on transcript NM_001367624.2 (MANE Select); coding-DNA position 11531, C replaced by T.
Protein change: p.Pro3844Leu; replaces proline 3844 with leucine.
Molecular consequence: missense variant.
Genome position (GRCh38, 1-based): chr16:88,439,001, C>T. VCF-style: chr16-88439001-C-T. GRCh37 (hg19) VCF-style: chr16-88505409-C-T.
Other names: NM_001127464.1:c.11447C>T; short protein forms P3844L.
Identifiers: ClinVar variation 3232749 (VCV003232749.4), dbSNP rs777126253, ClinGen allele CA8225617.
Genomic context (GRCh38, chr16:88,439,001, plus strand): 5'-GGCCAGCCAGGAGTGAAAGTGTGGGGAGCTTCGGGAGAGCCCCCTCAGCCCCTGACAAGC[C>T]CCCCCGGACCCCTCGGAAGCAGGCAACTCCCAGCCGCGTGCTCCCGACCAAGCCCAAGCC-3'
Protein context (NP_001354553.1, residues 3834-3854): FGRAPSAPDK[Pro3844Leu]PRTPRKQATP